The following is an entry in ClinVar:

NM_032108.4(SEMA6B):c.1812GGC[1] (p.Ala606del)

Gene: SEMA6B (semaphorin 6B; minus strand). Cytogenetic location: 19p13.3.
Variant type: Microsatellite.
Coding change: c.1812GGC[1] on transcript NM_032108.4 (MANE Select); one copy of the 3-base unit GGC starting at c.1812; the reference has two copies in a row; one copy, 3 bases deleted.
Protein change: p.Ala606del; deletes alanine 606.
Molecular consequence: inframe deletion.
Genome position (GRCh38, 1-based): chr19:4,544,451-4,544,453, GCC deleted on the plus strand (GGC on the coding strand, the reverse complement: SEMA6B is on the minus strand); deleting any 3 consecutive bases within chr19:4,544,451-4,544,456 gives the same sequence; the position shown is the placement nearest the transcript's 3' end. VCF-style (leftmost placement, unchanged base first): chr19-4544450-GGCC-G. GRCh37 (hg19) VCF-style: chr19-4544462-GGCC-G.
Other names: short protein forms A606del.
Identifiers: ClinVar variation 1316392 (VCV001316392.2), dbSNP rs2145342955, ClinGen allele CA2580613027.

ClinVar aggregate classification (germline): Uncertain significance (1 of 4 stars; one submission).

Submission:

GeneDx
Classification: Uncertain significance. Last evaluated: 2019-11-21. Review status: criteria provided, single submitter. Criteria: GeneDx Variant Classification Process June 2021. Collection method: clinical testing. Allele origin: germline. Affected: yes.
Comment: Not observed in large population cohorts (Lek et al., 2016); In-frame deletion of 1 amino acid in a non-repeat region; In silico analysis, which includes protein predictors and evolutionary conservation, supports a deleterious effect; Has not been previously published as pathogenic or benign to our knowledge; Variants in candidate genes are classified as variants of uncertain significance in accordance with ACMG guidelines (Richards et al., 2015)